The following is an entry in ClinVar:

NM_020975.6(RET):c.3084T>G (p.Ile1028Met)

Gene: RET (ret proto-oncogene; plus strand). Cytogenetic location: 10q11.21.
Variant type: single nucleotide variant.
Coding change: c.3084T>G on transcript NM_020975.6 (MANE Select); coding-DNA position 3084, T replaced by G.
Protein change: p.Ile1028Met; replaces isoleucine 1028 with methionine.
Molecular consequence: missense variant.
Genome position (GRCh38, 1-based): chr10:43,126,619, T>G. VCF-style: chr10-43126619-T-G. GRCh37 (hg19) VCF-style: chr10-43622067-T-G.
Other names: c.1635T>G, p.Ile545Met (NM_001406794.1, NM_001406792.1, NM_001406793.1); c.3084T>G, p.Ile1028Met (NM_020630.7, NM_001406743.1, NM_001406744.1 and 2 more transcripts); c.2322T>G, p.Ile774Met (NM_001355216.2); c.2955T>G, p.Ile985Met (NM_001406761.1, NM_001406762.1, NM_001406764.1); c.2949T>G, p.Ile983Met (NM_001406763.1, NM_001406765.1); c.2796T>G, p.Ile932Met (NM_001406766.1, NM_001406767.1, NM_001406770.1); c.2820T>G, p.Ile940Met (NM_001406768.1); c.2688T>G, p.Ile896Met (NM_001406769.1, NM_001406772.1); and 10 more; short protein forms I545M, I633M, I729M, I853M, I882M, I896M, I940M, I983M.
Identifiers: ClinVar variation 4152799 (VCV004152799.1).

ClinVar aggregate classification (germline): Uncertain significance (1 of 4 stars; one submission).

Conditions:
Hereditary cancer-predisposing syndrome. Also called: Neoplastic Syndromes, Hereditary; Tumor predisposition; Hereditary Cancer Syndrome; Hereditary neoplastic syndrome. Identifiers: Orphanet 140162, MedGen C0027672, MeSH D009386, MONDO:0015356.

Submission:

Ambry Genetics
Classification: Uncertain significance for Hereditary cancer-predisposing syndrome. Last evaluated: 2025-08-03. Review status: criteria provided, single submitter. Criteria: Ambry Variant Classification Scheme 2023. Collection method: clinical testing. Allele origin: germline.
Comment: The p.I1028M variant (also known as c.3084T>G), located in coding exon 19 of the RET gene, results from a T to G substitution at nucleotide position 3084. The isoleucine at codon 1028 is replaced by methionine, an amino acid with highly similar properties. This amino acid position is conserved. In addition, this alteration is predicted to be tolerated by in silico analysis. Based on the available evidence, the clinical significance of this variant remains unclear.